The following is an entry in ClinVar:

ClinVar aggregate classification (germline): Uncertain significance. Review status: criteria provided, multiple submitters, no conflicts (2 of 4 stars). 2 submissions from 2 submitters: Uncertain significance (2). Last evaluated 2025-02-28.

Conditions:
Inborn genetic diseases. Identifiers: MedGen C0950123, MeSH D030342.

Submissions (2):

Ambry Genetics
Classification: Uncertain significance for Inborn genetic diseases. Last evaluated: 2025-02-28. Review status: criteria provided, single submitter. Criteria: Ambry Variant Classification Scheme 2023. Collection method: clinical testing. Allele origin: germline.
Comment: The c.2056C>G (p.H686D) alteration is located in exon 5 (coding exon 3) of the ADNP gene. This alteration results from a C to G substitution at nucleotide position 2056, causing the histidine (H) at amino acid position 686 to be replaced by an aspartic acid (D). This variant was not reported in population-based cohorts in the Genome Aggregation Database (gnomAD). This amino acid position is highly conserved in available vertebrate species. This missense alteration is located in a region that has a low rate of benign missense variation (Lek, 2016; Firth, 2009). This alteration is predicted to be deleterious by in silico analysis. Based on insufficient or conflicting evidence, the clinical significance of this alteration remains unclear.

GeneDx
Classification: Uncertain significance. Last evaluated: 2021-05-17. Review status: criteria provided, single submitter. Criteria: GeneDx Variant Classification Process June 2021. Collection method: clinical testing. Allele origin: germline. Affected: yes.
Comment: Not observed in large population cohorts (Lek et al., 2016); In silico analysis supports that this missense variant has a deleterious effect on protein structure/function; Has not been previously published as pathogenic or benign to our knowledge

NM_001282531.3(ADNP):c.2056C>G (p.His686Asp)

Gene: ADNP (activity dependent neuroprotector homeobox; minus strand). Cytogenetic location: 20q13.13.
Variant type: single nucleotide variant.
Coding change: c.2056C>G on transcript NM_001282531.3 (MANE Select); coding-DNA position 2056, C replaced by G.
Protein change: p.His686Asp; replaces histidine 686 with aspartic acid.
Molecular consequence: missense variant.
Genome position (GRCh38, 1-based): chr20:50,892,658, G>C on the plus strand (C>G on the coding strand, the complement: ADNP is on the minus strand). VCF-style: chr20-50892658-G-C. GRCh37 (hg19) VCF-style: chr20-49509195-G-C.
Other names: c.2056C>G, p.His686Asp (NM_001282532.2, NM_001347511.2, NM_015339.5 and 1 more transcripts); short protein forms H686D.
Identifiers: ClinVar variation 1303971 (VCV001303971.4), dbSNP rs2122747938, ClinGen allele CA408971328.